The following is an entry in ClinVar:

NM_001139.3(ALOX12B):c.1303G>C (p.Val435Leu)

Gene: ALOX12B (arachidonate 12-lipoxygenase, 12R type; minus strand). Cytogenetic location: 17p13.1.
Variant type: single nucleotide variant.
Coding change: c.1303G>C on transcript NM_001139.3 (MANE Select); coding-DNA position 1303, G replaced by C.
Protein change: p.Val435Leu; replaces valine 435 with leucine.
Molecular consequence: missense variant.
Genome position (GRCh38, 1-based): chr17:8,076,716, C>G on the plus strand (G>C on the coding strand, the complement: ALOX12B is on the minus strand). VCF-style: chr17-8076716-C-G. GRCh37 (hg19) VCF-style: chr17-7980034-C-G.
Other names: short protein forms V435L.
Identifiers: ClinVar variation 4795698 (VCV004795698.1).

ClinVar aggregate classification (germline): Uncertain significance (1 of 4 stars; one submission).

Submission:

GeneDx
Classification: Uncertain significance. Last evaluated: 2025-08-14. Review status: criteria provided, single submitter. Criteria: GeneDx Variant Classification Process June 2021. Collection method: clinical testing. Allele origin: germline. Affected: yes.
Comment: Not observed at significant frequency in large population cohorts (gnomAD); In silico analysis suggests that this missense variant does not alter protein structure/function; Has not been previously published as pathogenic or benign to our knowledge